The following is an entry in ClinVar:

ClinVar aggregate classification (germline): Likely pathogenic (1 of 4 stars; one submission).

Conditions:
Primary ciliary dyskinesia. Also called: Ciliary dyskinesia. Identifiers: Orphanet 244, MedGen C0008780, MONDO:0016575, HP:0012265.

gnomAD v4.1: 1 of 1,613,584 alleles (0.000062%); highest among the groups gnomAD compares: Non-Finnish European, 0.000085%; no homozygotes.

Submission:

Natera, Inc.
Classification: Likely pathogenic for Primary ciliary dyskinesia. Last evaluated: 2025-04-26. Review status: criteria provided, single submitter. Criteria: Natera Variant Classification Schema (03/2026). Collection method: clinical testing. Allele origin: germline.
Comment: The c.3420C>A variant in DNAH5 is a nonsense variant predicted to introduce a stop codon at amino acid 1140. This variant is expected to result in nonsense mediated decay, truncation, or a dysfunctional protein product. This variant is rare in the general population with a frequency below the threshold expected for the associated phenotype(s). Given the available evidence, this variant is classified as Likely Pathogenic.

NM_001369.3(DNAH5):c.3420C>A (p.Cys1140Ter)

Genes: DNAH5 (dynein axonemal heavy chain 5; minus strand), DNAH5-AS1 (DNAH5 antisense RNA 1; plus strand). Cytogenetic location: 5p15.2.
Variant type: single nucleotide variant.
Coding change: c.3420C>A on transcript NM_001369.3 (MANE Select); coding-DNA position 3420, C replaced by A.
Protein change: p.Cys1140Ter; replaces cysteine 1140 with a stop codon.
Molecular consequence: nonsense.
Genome position (GRCh38, 1-based): chr5:13,871,742, G>T on the plus strand (C>A on the coding strand, the complement: DNAH5 is on the minus strand). VCF-style: chr5-13871742-G-T. GRCh37 (hg19) VCF-style: chr5-13871851-G-T.
Other names: short protein forms C1140*.
Identifiers: ClinVar variation 4066629 (VCV004066629.2).